The following is an entry in ClinVar:

NM_000719.7(CACNA1C):c.609G>A (p.Val203=)

Gene: CACNA1C (calcium voltage-gated channel subunit alpha1 C; plus strand). Cytogenetic location: 12p13.33.
Variant type: single nucleotide variant.
Coding change: c.609G>A on transcript NM_000719.7 (MANE Select); coding-DNA position 609, G replaced by A.
Protein change: p.Val203=; no amino-acid change (valine 203 retained).
Molecular consequence: synonymous variant.
Genome position (GRCh38, 1-based): chr12:2,449,107, G>A. VCF-style: chr12-2449107-G-A. GRCh37 (hg19) VCF-style: chr12-2558273-G-A.
Other names: c.609G>A, p.Val203= (NM_001129827.2, NM_001129829.2, NM_001129830.3 and 19 more transcripts).
Identifiers: ClinVar variation 526913 (VCV000526913.18), dbSNP rs1417477759, ClinGen allele CA477883239.

ClinVar aggregate classification (germline): Conflicting classifications of pathogenicity. Review status: criteria provided, conflicting classifications (1 of 4 stars). 3 submissions from 3 submitters: Uncertain significance (1); Likely benign (2). Last evaluated 2023-11-28.

Conditions:
Long QT syndrome (LQTS). Identifiers: MedGen C0023976, MeSH D008133, MONDO:0002442. Disease mechanism: loss of function. Inheritance: Various modes of inheritance.
Cardiovascular phenotype. Identifiers: MedGen CN230736.

Allele frequency attached by ClinVar (database versions not stated): gnomAD exomes 0.00001.
gnomAD v4.1: 5 of 1,545,462 alleles (0.00032%); highest among the groups gnomAD compares: East Asian, 0.0024%; no homozygotes.

Submissions (3):

Labcorp Genetics (formerly Invitae), Labcorp
Classification: Likely benign for Long QT syndrome. Last evaluated: 2023-11-28. Review status: criteria provided, single submitter. Criteria: Invitae Variant Classification Sherloc (09022015). Collection method: clinical testing. Allele origin: germline.

Ambry Genetics
Classification: Likely benign for Cardiovascular phenotype. Last evaluated: 2022-07-29. Review status: criteria provided, single submitter. Criteria: Ambry Variant Classification Scheme 2023. Collection method: clinical testing. Allele origin: germline.

ARUP Laboratories, Molecular Genetics and Genomics, ARUP Laboratories
Classification: Uncertain significance. Last evaluated: 2020-02-09. Review status: criteria provided, single submitter. Criteria: ARUP Molecular Germline Variant Investigation Process. Collection method: clinical testing. Allele origin: germline.
Comment: The CACNA1C c.609G>A; p.Val203= variant (rs1417477759), to our knowledge, is not reported in the medical literature but is reported as uncertain in ClinVar (Variation ID: 526913). This variant is only observed on one allele in the Genome Aggregation Database, indicating it is not a common polymorphism. This is a synonymous variant in a weakly conserved nucleotide, but computational analyses (Alamut v.2.11) predict that this variant may impact splicing by creating a novel cryptic acceptor splice site/weakening the nearby canonical site. However, given the lack of clinical and functional data, the significance of the p.Val203= variant is uncertain at this time. Gene statement: Pathogenic variants in CACNA1C are associated with autosomal dominant Timothy syndrome (MIM: 601005) and Brugada syndrome 3 (MIM: 611875).